The following is an entry in ClinVar:

NM_000539.3(RHO):c.445G>A (p.Gly149Arg)

Gene: RHO (rhodopsin; plus strand). Cytogenetic location: 3q22.1.
Variant type: single nucleotide variant.
Coding change: c.445G>A on transcript NM_000539.3 (MANE Select); coding-DNA position 445, G replaced by A.
Protein change: p.Gly149Arg; replaces glycine 149 with arginine.
Molecular consequence: missense variant.
Genome position (GRCh38, 1-based): chr3:129,530,959, G>A. VCF-style: chr3-129530959-G-A. GRCh37 (hg19) VCF-style: chr3-129249802-G-A.
Other names: short protein forms G149R.
Identifiers: ClinVar variation 1480067 (VCV001480067.6), dbSNP rs780408367, ClinGen allele CA2607160.

ClinVar aggregate classification (germline): Uncertain significance (1 of 4 stars; one submission).

Allele frequency attached by ClinVar (database versions not stated): ExAC 0.00001; gnomAD exomes 0.00001; gnomAD 0.00002; TOPMed 0.00003.

Submission:

Labcorp Genetics (formerly Invitae), Labcorp
Classification: Uncertain significance. Last evaluated: 2025-11-03. Review status: criteria provided, single submitter. Criteria: Invitae Variant Classification Sherloc (09022015). Collection method: clinical testing. Allele origin: germline.
Comment: This sequence change replaces glycine, which is neutral and non-polar, with arginine, which is basic and polar, at codon 149 of the RHO protein (p.Gly149Arg). This variant is present in population databases (rs780408367, gnomAD 0.002%). This variant has not been reported in the literature in individuals affected with RHO-related conditions. ClinVar contains an entry for this variant (Variation ID: 1480067). Invitae Evidence Modeling of protein sequence and biophysical properties (such as structural, functional, and spatial information, amino acid conservation, physicochemical variation, residue mobility, and thermodynamic stability) indicates that this missense variant is not expected to disrupt RHO protein function with a negative predictive value of 95%. In summary, the available evidence is currently insufficient to determine the role of this variant in disease. Therefore, it has been classified as a Variant of Uncertain Significance.